The following is an entry in ClinVar:

ClinVar aggregate classification (germline): Conflicting classifications of pathogenicity. Review status: criteria provided, conflicting classifications (1 of 4 stars). 3 submissions from 3 submitters: Uncertain significance (1); Likely benign (2). Last evaluated 2022-07-01.

Conditions:
Intellectual developmental disorder, autosomal dominant 45. Also called: MENTAL RETARDATION, AUTOSOMAL DOMINANT 45; Intellectual disability, autosomal dominant 45. Identifiers: MedGen C4539848, MONDO:0030910, OMIM 617600.
Inborn genetic diseases. Identifiers: MedGen C0950123, MeSH D030342.

Allele frequency attached by ClinVar (database versions not stated): TOPMed 0.00014; ESP Exome Variant Server 0.00023; gnomAD exomes 0.00024; ExAC 0.00027.
gnomAD v4.1: 375 of 1,612,796 alleles (0.023%); highest among the groups gnomAD compares: Non-Finnish European, 0.029%; no homozygotes.

Submissions (3):

CeGaT Center for Human Genetics Tuebingen
Classification: Likely benign. Last evaluated: 2022-07-01. Review status: criteria provided, single submitter. Criteria: CeGaT Center For Human Genetics Tuebingen Variant Classification Criteria Version 2. Collection method: clinical testing. Allele origin: germline. Affected: yes. Observed: 1 variant allele.
Comment: CIC: BS2

Ambry Genetics
Classification: Likely benign for Inborn genetic diseases. Last evaluated: 2021-11-23. Review status: criteria provided, single submitter. Criteria: Ambry Variant Classification Scheme 2023. Collection method: clinical testing. Allele origin: germline.

Revvity Omics, Revvity
Classification: Uncertain significance for Intellectual developmental disorder, autosomal dominant 45. Last evaluated: 2019-08-27. Review status: criteria provided, single submitter. Criteria: ACMG Guidelines, 2015. Collection method: clinical testing. Allele origin: germline.

NM_001386298.1(CIC):c.5299C>T (p.Pro1767Ser)

Gene: CIC (capicua transcriptional repressor; plus strand). Cytogenetic location: 19q13.2.
Variant type: single nucleotide variant.
Coding change: c.5299C>T on transcript NM_001386298.1 (MANE Select); coding-DNA position 5299, C replaced by T.
Protein change: p.Pro1767Ser; replaces proline 1767 with serine.
Molecular consequence: missense variant.
Genome position (GRCh38, 1-based): chr19:42,291,340, C>T. VCF-style: chr19-42291340-C-T. GRCh37 (hg19) VCF-style: chr19-42795492-C-T.
Other names: c.5299C>T, p.Pro1767Ser (NM_001304815.2, NM_001379480.1, NM_001379482.1 and 1 more transcripts); c.2572C>T, p.Pro858Ser (NM_001379484.1, NM_001379485.1, NM_015125.5); c.2572C>T (NM_015125.3); short protein forms P1767S, P858S.
Identifiers: ClinVar variation 2440085 (VCV002440085.28), dbSNP rs139895527, ClinGen allele CA9472283.